The following is an entry in ClinVar:

NM_000492.4(CFTR):c.2856G>T (p.Met952Ile)

Gene: CFTR (CF transmembrane conductance regulator; plus strand). Cytogenetic location: 7q31.2.
Variant type: single nucleotide variant.
Coding change: c.2856G>T on transcript NM_000492.4 (MANE Select); coding-DNA position 2856, G replaced by T.
Protein change: p.Met952Ile; replaces methionine 952 with isoleucine.
Molecular consequence: missense variant.
Genome position (GRCh38, 1-based): chr7:117,603,730, G>T. VCF-style: chr7-117603730-G-T. GRCh37 (hg19) VCF-style: chr7-117243784-G-T.
Other names: short protein forms M952I.
Identifiers: ClinVar variation 2768661 (VCV002768661.3), dbSNP rs151048781, ClinGen allele CA368987334.
Genomic context (GRCh38, chr7:117,603,730, plus strand): 5'-CAGAGGTCTACCACTGGTGCATACTCTAATCACAGTGTCGAAAATTTTACACCACAAAAT[G>T]TTACATTCTGTTCTTCAAGCACCTATGTCAACCCTCAACACGTTGAAAGCAGGTACTTTA-3'
Protein context (NP_000483.3, residues 942-962): ITVSKILHHK[Met952Ile]LHSVLQAPMS

ClinVar aggregate classification (germline): Pathogenic (1 of 4 stars; one submission).

Conditions:
Cystic fibrosis (CF). Also called: MUCOVISCIDOSIS. Identifiers: Orphanet 586, MedGen C0010674, MONDO:0009061, OMIM 219700. Disease mechanism: loss of function.

Submission:

Labcorp Genetics (formerly Invitae), Labcorp
Classification: Pathogenic for Cystic fibrosis. Last evaluated: 2023-10-15. Review status: criteria provided, single submitter. Criteria: Invitae Variant Classification Sherloc (09022015). Collection method: clinical testing. Allele origin: germline.
Comment: This sequence change replaces methionine, which is neutral and non-polar, with isoleucine, which is neutral and non-polar, at codon 952 of the CFTR protein (p.Met952Ile). This variant is not present in population databases (gnomAD no frequency). This missense change has been observed in individual(s) with congenital bilateral absence of the vas deferens or cystic fibrosis (PMID: 10200050, 15070876, 15287992, 16272798, 16980811, 21520337, 23276700). In at least one individual the data is consistent with being in trans (on the opposite chromosome) from a pathogenic variant. Advanced modeling of protein sequence and biophysical properties (such as structural, functional, and spatial information, amino acid conservation, physicochemical variation, residue mobility, and thermodynamic stability) performed at Invitae indicates that this missense variant is expected to disrupt CFTR protein function. This variant disrupts the p.Met952 amino acid residue in CFTR. Other variant(s) that disrupt this residue have been determined to be pathogenic (PMID: 10875853, 17003641, 20977904, 25087612, 27026144, 29589582). This suggests that this residue is clinically significant, and that variants that disrupt this residue are likely to be disease-causing. For these reasons, this variant has been classified as Pathogenic.

Literature cited by the submitters: PubMed 10200050; PubMed 15070876; PubMed 15287992; PubMed 16272798; PubMed 16980811; PubMed 21520337; PubMed 23276700; PubMed 10875853; PubMed 17003641; PubMed 20977904; PubMed 25087612; PubMed 27026144; PubMed 29589582.